The following is an entry in ClinVar:

NM_000051.4(ATM):c.7171G>A (p.Ala2391Thr)

Genes: ATM (ATM serine/threonine kinase; plus strand), C11orf65 (chromosome 11 open reading frame 65; minus strand). Cytogenetic location: 11q22.3.
Variant type: single nucleotide variant.
Coding change: c.7171G>A on transcript NM_000051.4 (MANE Select); coding-DNA position 7171, G replaced by A.
Protein change: p.Ala2391Thr; replaces alanine 2391 with threonine.
Molecular consequence: missense variant. On other transcripts: intron variant (2).
Genome position (GRCh38, 1-based): chr11:108,329,102, G>A. VCF-style: chr11-108329102-G-A. GRCh37 (hg19) VCF-style: chr11-108199829-G-A.
Other names: c.7171G>A, p.Ala2391Thr (NM_001351834.2); c.641-20031C>T (NM_001330368.2); c.*38+6118C>T (NM_001351110.2); short protein forms A2391T.
Identifiers: ClinVar variation 1500225 (VCV001500225.11), dbSNP rs2136415110, ClinGen allele CA382559554.

ClinVar aggregate classification (germline): Uncertain significance. Review status: criteria provided, multiple submitters, no conflicts (2 of 4 stars). 2 submissions from 2 submitters: Uncertain significance (2). Last evaluated 2024-09-23.

Conditions:
Hereditary cancer-predisposing syndrome. Also called: Neoplastic Syndromes, Hereditary; Tumor predisposition; Hereditary Cancer Syndrome; Hereditary neoplastic syndrome. Identifiers: Orphanet 140162, MedGen C0027672, MeSH D009386, MONDO:0015356.
Ataxia-telangiectasia syndrome (AT). Also called: LOUIS-BAR SYNDROME; Cerebello-oculocutaneous telangiectasia; Immunodeficiency with ataxia telangiectasia; Ataxia telangiectasia (A-T); Ataxia-telangiectasia, complementation group D; AT, COMPLEMENTATION GROUP C. Identifiers: Orphanet 100, MedGen C0004135, MONDO:0008840, OMIM 208900.

Allele frequency attached by ClinVar (database versions not stated): gnomAD exomes below 0.00001.
gnomAD v4.1: 1 of 1,614,118 alleles (0.000062%); highest among the groups gnomAD compares: Non-Finnish European, 0.000085%; no homozygotes.

Submissions (2):

Ambry Genetics
Classification: Uncertain significance for Hereditary cancer-predisposing syndrome. Last evaluated: 2024-09-23. Review status: criteria provided, single submitter. Criteria: Ambry Variant Classification Scheme 2023. Collection method: clinical testing. Allele origin: germline.
Comment: The p.A2391T variant (also known as c.7171G>A), located in coding exon 48 of the ATM gene, results from a G to A substitution at nucleotide position 7171. The alanine at codon 2391 is replaced by threonine, an amino acid with similar properties. This amino acid position is highly conserved in available vertebrate species. In addition, this alteration is predicted to be deleterious by in silico analysis. Since supporting evidence is limited at this time, the clinical significance of this alteration remains unclear.

Labcorp Genetics (formerly Invitae), Labcorp
Classification: Uncertain significance for Ataxia-telangiectasia syndrome. Last evaluated: 2021-12-01. Review status: criteria provided, single submitter. Criteria: Invitae Variant Classification Sherloc (09022015). Collection method: clinical testing. Allele origin: germline.
Comment: In summary, the available evidence is currently insufficient to determine the role of this variant in disease. Therefore, it has been classified as a Variant of Uncertain Significance. Algorithms developed to predict the effect of missense changes on protein structure and function (SIFT, PolyPhen-2, Align-GVGD) all suggest that this variant is likely to be disruptive. This variant has not been reported in the literature in individuals affected with ATM-related conditions. This variant is not present in population databases (gnomAD no frequency). This sequence change replaces alanine, which is neutral and non-polar, with threonine, which is neutral and polar, at codon 2391 of the ATM protein (p.Ala2391Thr).